The following is an entry in ClinVar:

ClinVar aggregate classification (germline): Uncertain significance. Review status: criteria provided, multiple submitters, no conflicts (2 of 4 stars). 2 submissions from 2 submitters: Uncertain significance (2). Last evaluated 2024-04-24.

Conditions:
Inborn genetic diseases. Identifiers: MedGen C0950123, MeSH D030342.

Allele frequency attached by ClinVar (database versions not stated): gnomAD exomes below 0.00001 and 0.00002; TOPMed 0.00001; gnomAD 0.00003.
gnomAD v4.1: 32 of 1,599,588 alleles (0.002%); highest among the groups gnomAD compares: Non-Finnish European, 0.0025%; no homozygotes.

Submissions (2):

Labcorp Genetics (formerly Invitae), Labcorp
Classification: Uncertain significance. Last evaluated: 2024-04-24. Review status: criteria provided, single submitter. Criteria: Invitae Variant Classification Sherloc (09022015). Collection method: clinical testing. Allele origin: germline.
Comment: This sequence change replaces tyrosine, which is neutral and polar, with cysteine, which is neutral and slightly polar, at codon 82 of the ADGRV1 protein (p.Tyr82Cys). The frequency data for this variant in the population databases is considered unreliable, as metrics indicate poor data quality at this position in the gnomAD database. This variant has not been reported in the literature in individuals affected with ADGRV1-related conditions. ClinVar contains an entry for this variant (Variation ID: 850473). Advanced modeling of protein sequence and biophysical properties (such as structural, functional, and spatial information, amino acid conservation, physicochemical variation, residue mobility, and thermodynamic stability) performed at Invitae indicates that this missense variant is not expected to disrupt ADGRV1 protein function with a negative predictive value of 95%. In summary, the available evidence is currently insufficient to determine the role of this variant in disease. Therefore, it has been classified as a Variant of Uncertain Significance.

Ambry Genetics
Classification: Uncertain significance for Inborn genetic diseases. Last evaluated: 2024-02-13. Review status: criteria provided, single submitter. Criteria: Ambry Variant Classification Scheme 2023. Collection method: clinical testing. Allele origin: germline.

NM_032119.4(ADGRV1):c.245A>G (p.Tyr82Cys)

Gene: ADGRV1 (adhesion G protein-coupled receptor V1; plus strand). Cytogenetic location: 5q14.3.
Variant type: single nucleotide variant.
Coding change: c.245A>G on transcript NM_032119.4 (MANE Select); coding-DNA position 245, A replaced by G.
Protein change: p.Tyr82Cys; replaces tyrosine 82 with cysteine.
Molecular consequence: missense variant. On other transcripts: non-coding transcript variant (1).
Genome position (GRCh38, 1-based): chr5:90,617,841, A>G. VCF-style: chr5-90617841-A-G. GRCh37 (hg19) VCF-style: chr5-89913658-A-G.
Other names: short protein forms Y82C.
Identifiers: ClinVar variation 850473 (VCV000850473.11), dbSNP rs1166958114, ClinGen allele CA360385193.